The following is an entry in ClinVar:

ClinVar aggregate classification (germline): Likely pathogenic. Review status: reviewed by expert panel (3 of 4 stars). 4 submissions from 4 submitters: Likely pathogenic (1). 3 of the submissions do not count toward it. Last evaluated 2025-07-18.

Conditions:
Phenylketonuria (PKU). Also called: Phenylketonuria (PKU); FOLLING DISEASE; OLIGOPHRENIA PHENYLPYRUVICA; Phenylketonurias. Identifiers: Orphanet 716, MedGen C0031485, MONDO:0009861, OMIM 261600. Disease mechanism: loss of function.

Submissions (4):

ClinGen PAH Variant Curation Expert Panel
Classification: Likely pathogenic for Phenylketonuria. Last evaluated: 2025-07-18. Review status: reviewed by expert panel. Criteria: ClinGen PAH ACMG Specifications v1. Collection method: curation. Allele origin: germline. Inheritance: Autosomal recessive inheritance.
Comment: The NM_000277.3(PAH):c.181A>G variant in PAH is a missense variant predicted to cause substitution of asparagine to aspartic acid at amino acid 61 (p.Asn61Asp). At least one patient with this variant displayed plasma phenylalanine concentration persistently above 120umol/L (2mg/dL) AND sequencing of genes in the BH4 cofactor metabolism pathway to exclude a defect of BH4 cofactor metabolism, which is highly specific for Phenylketonuria (PMID:12501224) (PP4_Moderate). This individual was compound heterozygous for the variant and a pathogenic variant p.R261Q in unknown phase (PMID: 12501224, PM3_Supporting). This variant is absent from gnomAD v4.1.0 (PM2_Supporting). The computational predictor REVEL gives a score of 0.703, which is above the threshold of 0.644 but below 0.773, evidence that correlates with supporting impact to PAH function (PP3). 2 different missense variants c.182A>G (p.Asn61Ser) and c.183C>A (p.Asn61Lys) in the same codon have been classified as pathogenic/likely pathogenic for PAH deficiency by the ClinGen PAH Variant Curation Expert Panel (PM5). In summary, this variant meets the criteria to be classified as likely pathogenic for autosomal recessive PAH deficiency based on the ACMG/AMP criteria applied, as specified by the ClinGen Phenylketonuria VCEP: PP4_moderate, PP3, PM2_supporting, PM3_supporting, PM5 (Version 2.0, 7/16/2024).

Women's Health and Genetics/Laboratory Corporation of America, LabCorp
Classification: Likely pathogenic for Phenylketonuria. Last evaluated: 2025-04-22. Review status: criteria provided, single submitter. Criteria: LabCorp Variant Classification Summary - May 2015. Collection method: clinical testing. Allele origin: germline. Not counted in ClinVar's aggregate classification.
Comment: Variant summary: PAH c.181A>G (p.Asn61Asp) results in a conservative amino acid change located in the ACT domain (IPR002912) of the encoded protein sequence. Additionally, a missense variant at the same codon (c.183C>A, p.Asn61Lys) has been classified on the pathogenic spectrum in our lab supporting the critical relevance of this residue for PAH function. Three of five in-silico tools predict a benign effect of the variant on protein function. The variant was absent in 250820 control chromosomes. c.181A>G has been observed in individual(s) affected with Phenylalanine Hydroxylase Deficiency (Phenylketonuria) (Muntau_2002, Hillert_2020). To our knowledge, no experimental evidence demonstrating an impact on protein function has been reported. The following publications have been ascertained in the context of this evaluation (PMID: 32668217, 12501224). ClinVar contains an entry for this variant (Variation ID: 102617). Based on the evidence outlined above, the variant was classified as likely pathogenic.

Labcorp Genetics (formerly Invitae), Labcorp
Classification: Pathogenic for Phenylketonuria. Last evaluated: 2020-04-12. Review status: criteria provided, single submitter. Criteria: Invitae Variant Classification Sherloc (09022015). Collection method: clinical testing. Allele origin: germline. Not counted in ClinVar's aggregate classification.
Comment: This variant has been observed in combination with another PAH variant in individual(s) affected with mild phenylketonuria (PMID: 12501224, Invitae). ClinVar contains an entry for this variant (Variation ID: 102617). Algorithms developed to predict the effect of missense changes on protein structure and function are either unavailable or do not agree on the potential impact of this missense change (SIFT: "Not Available"; PolyPhen-2: "Benign"; Align-GVGD: "Not Available"). This variant is not present in population databases (ExAC no frequency). This sequence change replaces asparagine with aspartic acid at codon 61 of the PAH protein (p.Asn61Asp). The asparagine residue is highly conserved and there is a small physicochemical difference between asparagine and aspartic acid. For these reasons, this variant has been classified as Pathogenic. This variant disrupts the p.Asn61 amino acid residue in PAH. Other variant(s) that disrupt this residue have been determined to be pathogenic (PMID: 10234516). This suggests that this residue is clinically significant, and that variants that disrupt this residue are likely to be disease-causing.

DeBelle Laboratory for Biochemical Genetics, MUHC/MCH RESEARCH INSTITUTE
No classification provided. Review status: no classification provided. Collection method: not provided. Allele origin: not provided. Not counted in ClinVar's aggregate classification.

Literature cited by the submitters: PubMed 12501224 (cited by Women's Health and Genetics/Laboratory Corporation of America, LabCorp and Labcorp Genetics (formerly Invitae), Labcorp); PubMed 32668217 (cited by Women's Health and Genetics/Laboratory Corporation of America, LabCorp); PubMed 10234516 (cited by Labcorp Genetics (formerly Invitae), Labcorp).

NM_000277.3(PAH):c.181A>G (p.Asn61Asp)

Gene: PAH (phenylalanine hydroxylase; minus strand). Cytogenetic location: 12q23.2.
Variant type: single nucleotide variant.
Coding change: c.181A>G on transcript NM_000277.3 (MANE Select); coding-DNA position 181, A replaced by G.
Protein change: p.Asn61Asp; replaces asparagine 61 with aspartic acid.
Molecular consequence: missense variant.
Genome position (GRCh38, 1-based): chr12:102,894,906, T>C on the plus strand (A>G on the coding strand, the complement: PAH is on the minus strand). VCF-style: chr12-102894906-T-C. GRCh37 (hg19) VCF-style: chr12-103288684-T-C.
Other names: NM_000277.2(PAH):c.181A>G; c.181A>G, p.Asn61Asp (NM_001354304.2); short protein forms N61D.
Identifiers: ClinVar variation 102617 (VCV000102617.11), dbSNP rs199475651, ClinGen allele CA229470.